The following is an entry in ClinVar:

ClinVar aggregate classification (germline): Uncertain significance. Review status: criteria provided, multiple submitters, no conflicts (2 of 4 stars). 2 submissions from 2 submitters: Uncertain significance (2). Last evaluated 2023-06-02.

Conditions:
Succinate-semialdehyde dehydrogenase deficiency (SSADHD). Also called: SSADH DEFICIENCY; 4-HYDROXYBUTYRIC ACIDURIA; GABA METABOLIC DEFECT; Succinic Semialdehyde Dehydrogenase Deficiency. Identifiers: Orphanet 22, MedGen C0268631, MONDO:0010083, OMIM 271980.
Inborn genetic diseases. Identifiers: MedGen C0950123, MeSH D030342.

Allele frequency attached by ClinVar (database versions not stated): gnomAD 0.00003; TOPMed 0.00012.
gnomAD v4.1: 26 of 1,310,890 alleles (0.002%); highest among the groups gnomAD compares: East Asian, 0.022%; no homozygotes.

Submissions (2):

Ambry Genetics
Classification: Uncertain significance for Inborn genetic diseases. Last evaluated: 2023-06-02. Review status: criteria provided, single submitter. Criteria: Ambry Variant Classification Scheme 2023. Collection method: clinical testing. Allele origin: germline.

Labcorp Genetics (formerly Invitae), Labcorp
Classification: Uncertain significance for Succinate-semialdehyde dehydrogenase deficiency. Last evaluated: 2022-10-25. Review status: criteria provided, single submitter. Criteria: Invitae Variant Classification Sherloc (09022015). Collection method: clinical testing. Allele origin: germline.
Comment: This sequence change replaces proline, which is neutral and non-polar, with alanine, which is neutral and non-polar, at codon 39 of the ALDH5A1 protein (p.Pro39Ala). This variant is present in population databases (no rsID available, gnomAD 0.06%). This variant has not been reported in the literature in individuals affected with ALDH5A1-related conditions. ClinVar contains an entry for this variant (Variation ID: 952923). Advanced modeling of protein sequence and biophysical properties (such as structural, functional, and spatial information, amino acid conservation, physicochemical variation, residue mobility, and thermodynamic stability) performed at Invitae indicates that this missense variant is not expected to disrupt ALDH5A1 protein function. In summary, the available evidence is currently insufficient to determine the role of this variant in disease. Therefore, it has been classified as a Variant of Uncertain Significance.

NM_001080.3(ALDH5A1):c.115C>G (p.Pro39Ala)

Genes: ALDH5A1 (aldehyde dehydrogenase 5 family member A1; plus strand), GPLD1 (glycosylphosphatidylinositol specific phospholipase D1; minus strand), LOC129995978 (ATAC-STARR-seq lymphoblastoid silent region 16989; plus strand). Cytogenetic location: 6p22.3.
Variant type: single nucleotide variant.
Coding change: c.115C>G on transcript NM_001080.3 (MANE Select); coding-DNA position 115, C replaced by G.
Protein change: p.Pro39Ala; replaces proline 39 with alanine.
Molecular consequence: missense variant.
Genome position (GRCh38, 1-based): chr6:24,495,111, C>G. VCF-style: chr6-24495111-C-G. GRCh37 (hg19) VCF-style: chr6-24495339-C-G.
Other names: c.115C>G, p.Pro39Ala (NM_001368954.1, NM_170740.1); short protein forms P39A.
Identifiers: ClinVar variation 952923 (VCV000952923.6), dbSNP rs1293911941, ClinGen allele CA362968253.